The following is an entry in ClinVar:

ClinVar aggregate classification (germline): Uncertain significance (1 of 4 stars; one submission).

Submission:

GeneDx
Classification: Uncertain significance. Last evaluated: 2021-06-11. Review status: criteria provided, single submitter. Criteria: GeneDx Variant Classification Process June 2021. Collection method: clinical testing. Allele origin: germline. Affected: yes.
Comment: Not observed in large population cohorts (Lek et al., 2016); In silico analysis, which includes protein predictors and evolutionary conservation, supports a deleterious effect; Has not been previously published as pathogenic or benign to our knowledge

NM_001376.5(DYNC1H1):c.7783G>A (p.Gly2595Ser)

Gene: DYNC1H1 (dynein cytoplasmic 1 heavy chain 1; plus strand). Cytogenetic location: 14q32.31.
Variant type: single nucleotide variant.
Coding change: c.7783G>A on transcript NM_001376.5 (MANE Select); coding-DNA position 7783, G replaced by A.
Protein change: p.Gly2595Ser; replaces glycine 2595 with serine.
Molecular consequence: missense variant.
Genome position (GRCh38, 1-based): chr14:102,016,934, G>A. VCF-style: chr14-102016934-G-A. GRCh37 (hg19) VCF-style: chr14-102483271-G-A.
Other names: short protein forms G2595S.
Identifiers: ClinVar variation 1311000 (VCV001311000.2), dbSNP rs2152582743, ClinGen allele CA391002958.